The following is an entry in ClinVar:

ClinVar aggregate classification (germline): Pathogenic (1 of 4 stars; one submission).

Conditions:
Gorlin syndrome. Also called: Nevoid Basal Cell Carcinoma Syndrome; Basal cell nevus syndrome. Identifiers: Orphanet 377, MedGen C0004779, MONDO:0007187.
Medulloblastoma (MDB). Also called: MEDULLOBLASTOMA PREDISPOSITION SYNDROME; Medulloblastoma, somatic. Identifiers: Orphanet 616, MedGen C0025149, MeSH D008527, MONDO:0007959, OMIM 155255, HP:0002885.

Submission:

Labcorp Genetics (formerly Invitae), Labcorp
Classification: Pathogenic for Gorlin syndrome; Medulloblastoma. Last evaluated: 2020-12-09. Review status: criteria provided, single submitter. Criteria: Invitae Variant Classification Sherloc (09022015). Collection method: clinical testing. Allele origin: germline.
Comment: For these reasons, this variant has been classified as Pathogenic. Loss-of-function variants in SUFU are known to be pathogenic (PMID: 22508808, 25403219). This variant has not been reported in the literature in individuals with SUFU-related conditions. This variant is not present in population databases (ExAC no frequency). This sequence change creates a premature translational stop signal (p.Arg42Profs*6) in the SUFU gene. It is expected to result in an absent or disrupted protein product.

Literature cited by the submitters: PubMed 22508808; PubMed 25403219.

NM_016169.4(SUFU):c.124dup (p.Arg42fs)

Gene: SUFU (SUFU negative regulator of hedgehog signaling; plus strand). Cytogenetic location: 10q24.32.
Variant type: Duplication.
Coding change: c.124dup on transcript NM_016169.4 (MANE Select); coding-DNA position 124, one base duplicated (C; older notation c.124dupC).
Protein change: p.Arg42fs; shifts the reading frame from arginine 42.
Molecular consequence: frameshift variant.
Genome position (GRCh38, 1-based): chr10:102,504,276, C duplicated; the last of 2 consecutive C bases (chr10:102,504,275-102,504,276); duplicating either gives the same sequence. VCF-style (leftmost placement, unchanged base first): chr10-102504274-G-GC. GRCh37 (hg19) VCF-style: chr10-104264031-G-GC.
Other names: c.124dup, p.Arg42fs (NM_001178133.2); short protein forms R42fs.
Identifiers: ClinVar variation 858345 (VCV000858345.8), dbSNP rs2062292476, ClinGen allele CA916081614.
Genomic context (GRCh38, chr10:102,504,274, plus strand): 5'-CTGCCCCCCCGGCCTTCGCTTCGCTCTTTCCCCCGGGACTGCACGCCATCTACGGAGAGT[G>GC]CCGCCGCCTTTACCCTGACCAGCCGAACCCGCTCCAGGTTACCGCTATCGTCAAGTACTG-3'